The following is an entry in ClinVar:

ClinVar aggregate classification (germline): Likely pathogenic (1 of 4 stars; one submission).

Submission:

Labcorp Genetics (formerly Invitae), Labcorp
Classification: Likely pathogenic. Last evaluated: 2022-05-11. Review status: criteria provided, single submitter. Criteria: Invitae Variant Classification Sherloc (09022015). Collection method: clinical testing. Allele origin: germline.
Comment: In summary, the currently available evidence indicates that the variant is pathogenic, but additional data are needed to prove that conclusively. Therefore, this variant has been classified as Likely Pathogenic. Algorithms developed to predict the effect of sequence changes on RNA splicing suggest that this variant may disrupt the consensus splice site. This variant has not been reported in the literature in individuals affected with MME-related conditions. This variant is not present in population databases (gnomAD no frequency). This sequence change affects a donor splice site in intron 6 of the MME gene. It is expected to disrupt RNA splicing. Variants that disrupt the donor or acceptor splice site typically lead to a loss of protein function (PMID: 16199547), and loss-of-function variants in MME are known to be pathogenic (PMID: 26991897).

Literature cited by the submitters: PubMed 16199547; PubMed 26991897.

NM_007289.4(MME):c.535+1G>C

Gene: MME (membrane metalloendopeptidase; plus strand). Cytogenetic location: 3q25.2.
Variant type: single nucleotide variant.
Coding change: c.535+1G>C on transcript NM_007289.4 (MANE Select); the canonical splice donor site of the intron after coding-DNA position 535, G replaced by C.
Molecular consequence: splice donor variant.
Genome position (GRCh38, 1-based): chr3:155,116,760, G>C. VCF-style: chr3-155116760-G-C. GRCh37 (hg19) VCF-style: chr3-154834549-G-C.
Other names: c.535+1G>C (NM_001354642.2, NM_000902.5, NM_007287.4 and 2 more transcripts).
Identifiers: ClinVar variation 2124546 (VCV002124546.4), dbSNP rs2472974805, ClinGen allele CA355128106.